The following is an entry in ClinVar:

NM_001377530.1(DMBT1):c.3306T>C (p.Ser1102=)

Gene: DMBT1 (deleted in malignant brain tumors 1; plus strand). Cytogenetic location: 10q26.13.
Variant type: single nucleotide variant.
Coding change: c.3306T>C on transcript NM_001377530.1 (MANE Select); coding-DNA position 3306, T replaced by C.
Protein change: p.Ser1102=; no amino-acid change (serine 1102 retained).
Molecular consequence: synonymous variant.
Genome position (GRCh38, 1-based): chr10:122,600,089, T>C. VCF-style: chr10-122600089-T-C. GRCh37 (hg19) VCF-style: chr10-124359605-T-C.
Other names: c.3306T>C, p.Ser1102= (NM_001320644.2, NM_007329.3); c.1809T>C, p.Ser603= (NM_004406.3); c.3276T>C, p.Ser1092= (NM_017579.3).
Identifiers: ClinVar variation 3054471 (VCV003054471.2), dbSNP rs535950821, ClinGen allele CA5727515.

ClinVar aggregate classification (germline): Likely benign (0 of 4 stars; one submission).

Conditions:
DMBT1-related disorder. Also called: DMBT1-related condition.

Allele frequency attached by ClinVar (database versions not stated): ExAC 0.00007; 1000 Genomes Project 0.01597.
gnomAD v4.1: 32 of 1,604,916 alleles (0.002%); highest among the groups gnomAD compares: South Asian, 0.012%; 3 homozygotes.

Submission:

PreventionGenetics, part of Exact Sciences
Classification: Likely benign for DMBT1-related condition. Last evaluated: 2021-04-17. Review status: no assertion criteria provided. Collection method: clinical testing. Allele origin: germline.
Comment: This variant is classified as likely benign based on ACMG/AMP sequence variant interpretation guidelines (Richards et al. 2015 PMID: 25741868, with internal and published modifications).